The following is an entry in ClinVar:

NM_004946.3(DOCK2):c.965C>A (p.Pro322His)

Genes: DOCK2 (dedicator of cytokinesis 2; plus strand), LOC126807589 (BRD4-independent group 4 enhancer GRCh37_chr5:169122482-169123681; plus strand). Cytogenetic location: 5q35.1.
Variant type: single nucleotide variant.
Coding change: c.965C>A on transcript NM_004946.3 (MANE Select); coding-DNA position 965, C replaced by A.
Protein change: p.Pro322His; replaces proline 322 with histidine.
Molecular consequence: missense variant. On other transcripts: non-coding transcript variant (1).
Genome position (GRCh38, 1-based): chr5:169,695,924, C>A. VCF-style: chr5-169695924-C-A. GRCh37 (hg19) VCF-style: chr5-169122928-C-A.
Other names: short protein forms P322H.
Identifiers: ClinVar variation 855838 (VCV000855838.10), dbSNP rs1673260878, ClinGen allele CA362104874.

ClinVar aggregate classification (germline): Uncertain significance (1 of 4 stars; one submission).

Conditions:
DOCK2 deficiency. Also called: Immunodeficiency 40. Identifiers: Orphanet 447737, MedGen C4225328, MONDO:0014637, OMIM 616433.

Allele frequency attached by ClinVar (database versions not stated): gnomAD 0.00001.

Submission:

Labcorp Genetics (formerly Invitae), Labcorp
Classification: Uncertain significance for DOCK2 deficiency. Last evaluated: 2019-04-09. Review status: criteria provided, single submitter. Criteria: Invitae Variant Classification Sherloc (09022015). Collection method: clinical testing. Allele origin: germline.
Comment: In summary, the available evidence is currently insufficient to determine the role of this variant in disease. Therefore, it has been classified as a Variant of Uncertain Significance. Algorithms developed to predict the effect of missense changes on protein structure and function are either unavailable or do not agree on the potential impact of this missense change (SIFT: "Tolerated"; PolyPhen-2: "Probably Damaging"; Align-GVGD: "Class C0"). This variant has not been reported in the literature in individuals with DOCK2-related conditions. This variant is not present in population databases (ExAC no frequency). This sequence change replaces proline with histidine at codon 322 of the DOCK2 protein (p.Pro322His). The proline residue is moderately conserved and there is a moderate physicochemical difference between proline and histidine.